The following is an entry in ClinVar:

NM_170606.3(KMT2C):c.11670+1027G>A

Gene: KMT2C (lysine methyltransferase 2C; minus strand). Cytogenetic location: 7q36.1.
Variant type: single nucleotide variant.
Coding change: c.11670+1027G>A on transcript NM_170606.3 (MANE Select); 1027 bases into the intron after coding-DNA position 11670, G replaced by A.
Molecular consequence: intron variant.
Genome position (GRCh38, 1-based): chr7:152,157,836, C>T on the plus strand (G>A on the coding strand, the complement: KMT2C is on the minus strand). VCF-style: chr7-152157836-C-T. GRCh37 (hg19) VCF-style: chr7-151854921-C-T.
Identifiers: ClinVar variation 3067228 (VCV003067228.21), dbSNP rs1276871263, ClinGen allele CA578761502.

ClinVar aggregate classification (germline): Likely benign (1 of 4 stars; one submission).

Allele frequency attached by ClinVar (database versions not stated): gnomAD exomes below 0.00001.
gnomAD v4.1: 1 of 1,333,134 alleles (0.000075%); highest among the groups gnomAD compares: Non-Finnish European, 0.000099%; no homozygotes.

Submission:

CeGaT Center for Human Genetics Tuebingen
Classification: Likely benign. Last evaluated: 2024-03-01. Review status: criteria provided, single submitter. Criteria: CeGaT Center For Human Genetics Tuebingen Variant Classification Criteria Version 2. Collection method: clinical testing. Allele origin: germline. Affected: yes. Observed: 2 variant alleles.
Comment: KMT2C: BP4, BP7